The following is an entry in ClinVar:

ClinVar aggregate classification (germline): Uncertain significance (0 of 4 stars; one submission).

Conditions:
Spondylometaphyseal dysplasia - Sutcliffe type. Also called: Sutcliffe type of spondylometaphyseal dysplasia; Sutcliffe SMD; Spondylometaphyseal dysplasia, 'corner fracture' type; Spondylometaphyseal Dysplasia, Corner Fracture Type. Identifiers: Orphanet 93315, MedGen C0432221, MONDO:0008479, OMIM 184255.

Allele frequency attached by ClinVar (database versions not stated): gnomAD 0.00001.
gnomAD v4.1: 1 of 1,613,788 alleles (0.000062%); no homozygotes.

Submission:

Department of Pathology and Laboratory Medicine, Sinai Health System
Classification: Uncertain significance for Spondylometaphyseal dysplasia - Sutcliffe type. Review status: no assertion criteria provided. Collection method: clinical testing. Allele origin: unknown. Affected: yes. Study: The Canadian Open Genetics Repository (COGR).
Comment: The FN1 p.R1491S variant was not identified in the literature nor was it identified in dbSNP or ClinVar. The variant was not identified in the following control databases: the 1000 Genomes Project, the NHLBI GO Exome Sequencing Project, or the Genome Aggregation Database (March 6, 2019, v2.1.1).The p.R1491 residue is conserved in mammals and computational analyses (MUT Assesor, PolyPhen-2, SIFT, MutationTaster, Revel, FATHMM, MetaLR, DANN) provide inconsistent predictions regarding the impact to the protein; this information is not very predictive of pathogenicity. The variant occurs outside of the splicing consensus sequence and in silico or computational prediction software programs (Splice AI exome) do not predict a difference in splicing. In summary, based on the above information the clinical significance of this variant cannot be determined with certainty at this time. This variant is classified as a variant of uncertain significance.

NM_212482.4(FN1):c.4473A>T (p.Arg1491Ser)

Gene: FN1 (fibronectin 1; minus strand). Cytogenetic location: 2q35.
Variant type: single nucleotide variant.
Coding change: c.4473A>T on transcript NM_212482.4 (MANE Select); coding-DNA position 4473, A replaced by T.
Protein change: p.Arg1491Ser; replaces arginine 1491 with serine.
Molecular consequence: missense variant.
Genome position (GRCh38, 1-based): chr2:215,386,828, T>A on the plus strand (A>T on the coding strand, the complement: FN1 is on the minus strand). VCF-style: chr2-215386828-T-A. GRCh37 (hg19) VCF-style: chr2-216251551-T-A.
Other names: c.4473A>T, p.Arg1491Ser (NM_001306129.2, NM_001306130.2, NM_001365517.2 and 3 more transcripts); c.4200A>T, p.Arg1400Ser (NM_001306131.2, NM_001306132.2, NM_001365518.2 and 7 more transcripts); short protein forms R1400S, R1491S.
Identifiers: ClinVar variation 1050303 (VCV001050303.1), dbSNP rs2059079828, ClinGen allele CA350481581.